The following is an entry in ClinVar:

NM_025099.6(CTC1):c.485G>A (p.Arg162His)

Gene: CTC1 (CST telomere replication complex component 1; minus strand). Cytogenetic location: 17p13.1.
Variant type: single nucleotide variant.
Coding change: c.485G>A on transcript NM_025099.6 (MANE Select); coding-DNA position 485, G replaced by A.
Protein change: p.Arg162His; replaces arginine 162 with histidine.
Molecular consequence: missense variant. On other transcripts: non-coding transcript variant (1).
Genome position (GRCh38, 1-based): chr17:8,238,193, C>T on the plus strand (G>A on the coding strand, the complement: CTC1 is on the minus strand). VCF-style: chr17-8238193-C-T. GRCh37 (hg19) VCF-style: chr17-8141511-C-T.
Other names: short protein forms R162H.
Identifiers: ClinVar variation 1337319 (VCV001337319.10), dbSNP rs199966003, ClinGen allele CA8372617.

ClinVar aggregate classification (germline): Conflicting classifications of pathogenicity. Review status: criteria provided, conflicting classifications (1 of 4 stars). 3 submissions from 3 submitters: Uncertain significance (2); Likely benign (1). Last evaluated 2023-06-30.

Conditions:
Inborn genetic diseases. Identifiers: MedGen C0950123, MeSH D030342.
Dyskeratosis congenita. Identifiers: Orphanet 1775, MedGen C0265965, MONDO:0015780.

Allele frequency attached by ClinVar (database versions not stated): ExAC 0.00001; gnomAD 0.00001; gnomAD exomes 0.00002; TOPMed 0.00003.
gnomAD v4.1: 27 of 1,612,550 alleles (0.0017%); highest among the groups gnomAD compares: Middle Eastern, 0.016%; no homozygotes.

Submissions (3):

Labcorp Genetics (formerly Invitae), Labcorp
Classification: Uncertain significance for Dyskeratosis congenita. Last evaluated: 2023-06-30. Review status: criteria provided, single submitter. Criteria: Invitae Variant Classification Sherloc (09022015). Collection method: clinical testing. Allele origin: germline.
Comment: This sequence change replaces arginine, which is basic and polar, with histidine, which is basic and polar, at codon 162 of the CTC1 protein (p.Arg162His). This variant is present in population databases (rs199966003, gnomAD 0.01%). This variant has not been reported in the literature in individuals affected with CTC1-related conditions. In summary, the available evidence is currently insufficient to determine the role of this variant in disease. Therefore, it has been classified as a Variant of Uncertain Significance. Algorithms developed to predict the effect of sequence changes on RNA splicing suggest that this variant may create or strengthen a splice site. Advanced modeling of protein sequence and biophysical properties (such as structural, functional, and spatial information, amino acid conservation, physicochemical variation, residue mobility, and thermodynamic stability) performed at Invitae indicates that this missense variant is not expected to disrupt CTC1 protein function. ClinVar contains an entry for this variant (Variation ID: 1337319).

Ambry Genetics
Classification: Likely benign for Inborn genetic diseases. Last evaluated: 2021-09-16. Review status: criteria provided, single submitter. Criteria: Ambry Variant Classification Scheme 2023. Collection method: clinical testing. Allele origin: germline.

Genetic Services Laboratory, University of Chicago
Classification: Uncertain significance. Last evaluated: 2019-08-09. Review status: criteria provided, single submitter. Criteria: ACMG Guidelines, 2015. Collection method: clinical testing. Allele origin: germline. Affected: no.